The following is an entry in ClinVar:

ClinVar aggregate classification (germline): Uncertain significance. Review status: criteria provided, multiple submitters, no conflicts (2 of 4 stars). 2 submissions from 2 submitters: Uncertain significance (2). Last evaluated 2021-10-25.

Conditions:
Focal segmental glomerulosclerosis 2 (FSGS2). Identifiers: Orphanet 656, MedGen C1858915, MONDO:0011390, OMIM 603965.

Allele frequency attached by ClinVar (database versions not stated): TOPMed below 0.00001.
gnomAD v4.1: 4 of 1,611,344 alleles (0.00025%); highest among the groups gnomAD compares: Middle Eastern, 0.017%; no homozygotes.

Submissions (2):

Fulgent Genetics
Classification: Uncertain significance for Focal segmental glomerulosclerosis 2. Last evaluated: 2021-10-25. Review status: criteria provided, single submitter. Criteria: ACMG Guidelines, 2015. Collection method: clinical testing. Allele origin: unknown.

Baylor Genetics
Classification: Uncertain significance for Focal segmental glomerulosclerosis 2. Last evaluated: 2020-07-08. Review status: criteria provided, single submitter. Criteria: ACMG Guidelines, 2015. Collection method: clinical testing. Allele origin: unknown. Affected: yes.
Comment: This variant was determined to be of uncertain significance according to ACMG Guidelines, 2015 [PMID:25741868].

NM_004621.6(TRPC6):c.2486T>A (p.Val829Asp)

Gene: TRPC6 (transient receptor potential cation channel subfamily C member 6; minus strand). Cytogenetic location: 11q22.1.
Variant type: single nucleotide variant.
Coding change: c.2486T>A on transcript NM_004621.6 (MANE Select); coding-DNA position 2486, T replaced by A.
Protein change: p.Val829Asp; replaces valine 829 with aspartic acid.
Molecular consequence: missense variant.
Genome position (GRCh38, 1-based): chr11:101,455,100, A>T on the plus strand (T>A on the coding strand, the complement: TRPC6 is on the minus strand). VCF-style: chr11-101455100-A-T. GRCh37 (hg19) VCF-style: chr11-101325831-A-T.
Other names: short protein forms V829D.
Identifiers: ClinVar variation 1028795 (VCV001028795.2), dbSNP rs1858853619, ClinGen allele CA382487480.